The following is an entry in ClinVar:

ClinVar aggregate classification (germline): Uncertain significance (1 of 4 stars; one submission).

Submission:

Labcorp Genetics (formerly Invitae), Labcorp
Classification: Uncertain significance. Last evaluated: 2022-05-04. Review status: criteria provided, single submitter. Criteria: Invitae Variant Classification Sherloc (09022015). Collection method: clinical testing. Allele origin: germline.
Comment: This sequence change replaces leucine, which is neutral and non-polar, with isoleucine, which is neutral and non-polar, at codon 1242 of the CCDC88A protein (p.Leu1242Ile). This variant is not present in population databases (gnomAD no frequency). This variant has not been reported in the literature in individuals affected with CCDC88A-related conditions. Algorithms developed to predict the effect of missense changes on protein structure and function are either unavailable or do not agree on the potential impact of this missense change (SIFT: "Tolerated"; PolyPhen-2: "Probably Damaging"; Align-GVGD: "Class C0"). In summary, the available evidence is currently insufficient to determine the role of this variant in disease. Therefore, it has been classified as a Variant of Uncertain Significance.

NM_001365480.1(CCDC88A):c.3727C>A (p.Leu1243Ile)

Gene: CCDC88A (coiled-coil and HOOK domain protein 88A; minus strand). Cytogenetic location: 2p16.1.
Variant type: single nucleotide variant.
Coding change: c.3727C>A on transcript NM_001365480.1 (MANE Select); coding-DNA position 3727, C replaced by A.
Protein change: p.Leu1243Ile; replaces leucine 1243 with isoleucine.
Molecular consequence: missense variant.
Genome position (GRCh38, 1-based): chr2:55,317,225, G>T on the plus strand (C>A on the coding strand, the complement: CCDC88A is on the minus strand). VCF-style: chr2-55317225-G-T. GRCh37 (hg19) VCF-style: chr2-55544361-G-T.
Other names: c.3724C>A, p.Leu1242Ile (NM_001135597.2, NM_001254943.2); c.3727C>A, p.Leu1243Ile (NM_018084.5); short protein forms L1243I, L1242I.
Identifiers: ClinVar variation 2120352 (VCV002120352.4), dbSNP rs2544778917, ClinGen allele CA346890162.
Genomic context (GRCh38, chr2:55,317,225, plus strand): 5'-TCTATATAAAATGTTTGTTATATATAATATATATTTATTACCTATCATTTTCACCACAAA[G>T]TTTCTTGTATTCTGCAGCTACTGTTTCATGATTTTTATTTTCAAGCAGCATTTTTTCCTG-3'
Protein context (NP_001352409.1, residues 1233-1253): HETVAAEYKK[Leu1243Ile]CGENDRLNHT